The following is an entry in ClinVar:

NM_020461.4(TUBGCP6):c.3784_3802del (p.Thr1262fs)

Gene: TUBGCP6 (tubulin gamma complex component 6; minus strand). Cytogenetic location: 22q13.33.
Variant type: Deletion.
Coding change: c.3784_3802del on transcript NM_020461.4 (MANE Select); coding-DNA positions 3784 to 3802, 19 bases deleted (ACCCGGCCACGGTGGAACA).
Protein change: p.Thr1262fs; shifts the reading frame from threonine 1262.
Molecular consequence: frameshift variant.
Genome position (GRCh38, 1-based): chr22:50,220,557-50,220,575, TGTTCCACCGTGGCCGGGT deleted on the plus strand (ACCCGGCCACGGTGGAACA on the coding strand, the reverse complement: TUBGCP6 is on the minus strand). VCF-style (leftmost placement, unchanged base first): chr22-50220556-GTGTTCCACCGTGGCCGGGT-G. GRCh37 (hg19) VCF-style: chr22-50658985-GTGTTCCACCGTGGCCGGGT-G.
Other names: short protein forms T1262fs.
Identifiers: ClinVar variation 1071641 (VCV001071641.7), dbSNP rs2147177418, ClinGen allele CA2499226220.

ClinVar aggregate classification (germline): Pathogenic (1 of 4 stars; one submission).

Allele frequency attached by ClinVar (database versions not stated): gnomAD exomes below 0.00001.

Submission:

Labcorp Genetics (formerly Invitae), Labcorp
Classification: Pathogenic. Last evaluated: 2022-02-04. Review status: criteria provided, single submitter. Criteria: Invitae Variant Classification Sherloc (09022015). Collection method: clinical testing. Allele origin: germline.
Comment: For these reasons, this variant has been classified as Pathogenic. ClinVar contains an entry for this variant (Variation ID: 1071641). This variant has not been reported in the literature in individuals affected with TUBGCP6-related conditions. This variant is not present in population databases (gnomAD no frequency). This sequence change creates a premature translational stop signal (p.Thr1262Profs*56) in the TUBGCP6 gene. It is expected to result in an absent or disrupted protein product. Loss-of-function variants in TUBGCP6 are known to be pathogenic (PMID: 25344692).

Literature cited by the submitters: PubMed 25344692.